The following is an entry in ClinVar:

ClinVar aggregate classification (germline): Uncertain significance. Review status: criteria provided, multiple submitters, no conflicts (2 of 4 stars). 3 submissions from 3 submitters: Uncertain significance (3). Last evaluated 2025-07-06.

Conditions:
Autosomal recessive limb-girdle muscular dystrophy type 2E (LGMDR4). Also called: MUSCULAR DYSTROPHY, LIMB-GIRDLE, AUTOSOMAL RECESSIVE 4. Identifiers: Orphanet 119, MedGen C1858593, MONDO:0011423, OMIM 604286. Disease mechanism: Affects gamma-sarcoglycan and also disrupts the integrity of the entire sarcoglycan complex..

Allele frequency attached by ClinVar (database versions not stated): gnomAD exomes below 0.00001; TOPMed below 0.00001; ExAC 0.00001; gnomAD 0.00002.
gnomAD v4.1: 9 of 1,613,696 alleles (0.00056%); highest among the groups gnomAD compares: Middle Eastern, 0.033%; no homozygotes.

Submissions (3):

Labcorp Genetics (formerly Invitae), Labcorp
Classification: Uncertain significance for Autosomal recessive limb-girdle muscular dystrophy type 2E. Last evaluated: 2025-07-06. Review status: criteria provided, single submitter. Criteria: Invitae Variant Classification Sherloc (09022015). Collection method: clinical testing. Allele origin: germline.
Comment: This sequence change replaces cysteine, which is neutral and slightly polar, with arginine, which is basic and polar, at codon 67 of the SGCB protein (p.Cys67Arg). This variant is present in population databases (rs768545658, gnomAD 0.003%). This variant has not been reported in the literature in individuals affected with SGCB-related conditions. ClinVar contains an entry for this variant (Variation ID: 2435899). Invitae Evidence Modeling of protein sequence and biophysical properties (such as structural, functional, and spatial information, amino acid conservation, physicochemical variation, residue mobility, and thermodynamic stability) indicates that this missense variant is not expected to disrupt SGCB protein function with a negative predictive value of 80%. In summary, the available evidence is currently insufficient to determine the role of this variant in disease. Therefore, it has been classified as a Variant of Uncertain Significance.

Revvity Omics, Revvity
Classification: Uncertain significance for Autosomal recessive limb-girdle muscular dystrophy type 2E. Last evaluated: 2023-10-02. Review status: criteria provided, single submitter. Criteria: ACMG Guidelines, 2015. Collection method: clinical testing. Allele origin: germline.

Blueprint Genetics
Classification: Uncertain significance. Last evaluated: 2019-04-05. Review status: criteria provided, single submitter. Criteria: ACMG Guidelines, 2015. Collection method: clinical testing. Allele origin: germline.

NM_000232.5(SGCB):c.199T>C (p.Cys67Arg)

Gene: SGCB (sarcoglycan beta; minus strand). Cytogenetic location: 4q12.
Variant type: single nucleotide variant.
Coding change: c.199T>C on transcript NM_000232.5 (MANE Select); coding-DNA position 199, T replaced by C.
Protein change: p.Cys67Arg; replaces cysteine 67 with arginine.
Molecular consequence: missense variant.
Genome position (GRCh38, 1-based): chr4:52,033,475, A>G on the plus strand (T>C on the coding strand, the complement: SGCB is on the minus strand). VCF-style: chr4-52033475-A-G. GRCh37 (hg19) VCF-style: chr4-52899641-A-G.
Other names: short protein forms C67R.
Identifiers: ClinVar variation 2435899 (VCV002435899.5), dbSNP rs768545658, ClinGen allele CA2918489.